The following is an entry in ClinVar:

ClinVar aggregate classification (germline): Pathogenic/Likely pathogenic. Review status: criteria provided, multiple submitters, no conflicts (2 of 4 stars). 3 submissions from 3 submitters: Pathogenic (1); Likely pathogenic (2). Last evaluated 2025-11-12.

Conditions:
Polycystic kidney disease 4 (PKD4). Also called: POLYCYSTIC KIDNEY AND HEPATIC DISEASE 1; POLYCYSTIC KIDNEY DISEASE, INFANTILE, TYPE I; PKD3; POLYCYSTIC KIDNEY DISEASE 4 WITH OR WITHOUT POLYCYSTIC LIVER DISEASE; Autosomal Recessive Polycystic Kidney Disease – PKHD1. Identifiers: MedGen C4540575, MONDO:0033004, OMIM 263200.
Autosomal recessive polycystic kidney disease (ARPKD). Also called: AR polycystic kidney disease. Identifiers: Orphanet 731, Orphanet 8378, MedGen C0085548, MeSH D017044, MONDO:0009889.

Allele frequency attached by ClinVar (database versions not stated): gnomAD exomes below 0.00001.

Submissions (3):

Natera, Inc.
Classification: Likely pathogenic for Autosomal recessive polycystic kidney disease. Last evaluated: 2025-11-12. Review status: criteria provided, single submitter. Criteria: Natera Variant Classification Schema (03/2026). Collection method: clinical testing. Allele origin: germline.
Comment: The c.1626del variant in PKHD1 is a frameshift variant predicted to shift the reading frame beginning at codon 542 and leads to a stop codon 4 codons downstream. This variant is expected to result in nonsense mediated decay, truncation, or a dysfunctional protein product. This variant is rare in the general population with a frequency below the threshold expected for the associated phenotype(s). Given the available evidence, this variant is classified as Likely Pathogenic.

Myriad Genetics, Inc.
Classification: Pathogenic for Polycystic kidney disease 4. Last evaluated: 2024-05-09. Review status: criteria provided, single submitter. Criteria: Myriad Autosomal Dominant, Autosomal Recessive and X-Linked Classification Criteria (2023). Collection method: clinical testing. Allele origin: unknown.
Comment: NM_138694.3(PKHD1):c.1626delA(L542Ffs*4) is expected to be pathogenic in the context of autosomal recessive polycystic kidney disease, PKHD1-related. This variant is predicted to lead to an abnormal or absent protein product due to the creation of a premature termination codon in PKHD1, a gene where loss-of-function variants are known to be pathogenic. Please note: this variant was assessed in the context of healthy population screening.

Baylor Genetics
Classification: Likely pathogenic for Polycystic kidney disease 4. Last evaluated: 2022-03-23. Review status: criteria provided, single submitter. Criteria: ACMG Guidelines, 2015. Collection method: clinical testing. Allele origin: unknown.

NM_138694.4(PKHD1):c.1626del (p.Leu542fs)

Gene: PKHD1 (PKHD1 ciliary IPT domain containing fibrocystin/polyductin; minus strand). Cytogenetic location: 6p12.2.
Variant type: Deletion.
Coding change: c.1626del on transcript NM_138694.4 (MANE Select); coding-DNA position 1626, one base deleted (A; older notation c.1626delA).
Protein change: p.Leu542fs; shifts the reading frame from leucine 542.
Molecular consequence: frameshift variant.
Genome position (GRCh38, 1-based): chr6:52,056,765, T deleted on the plus strand (A on the coding strand, the reverse complement: PKHD1 is on the minus strand). VCF-style (leftmost placement, unchanged base first): chr6-52056764-GT-G. GRCh37 (hg19) VCF-style: chr6-51921562-GT-G.
Other names: c.1626del (NM_138694.3); c.1626del, p.Leu542fs (NM_170724.3); short protein forms L542fs.
Identifiers: ClinVar variation 2677872 (VCV002677872.3), dbSNP rs1259363063, ClinGen allele CA567636347.